The following is an entry in ClinVar:

Conditions:
Long QT syndrome 5 (LQT5). Identifiers: Orphanet 101016, Orphanet 768, MedGen C1867904, MONDO:0013372, OMIM 613695.

Submission:

Roden Lab, Vanderbilt University Medical Center
No classification provided (evidence only). Condition: Long QT syndrome 5. Review status: no classification provided. Collection method: in vitro. Allele origin: not applicable. Functional consequence: Effect on ion channel function.
ClinVar note: "not provided" was previously submitted as the classification for the variant. However, the classification appeared to be based only on an observation of functional data so it was converted to no classification on 2025-07-30.

NM_000219.6(KCNE1):c.10T>G (p.Ser4Ala)

Gene: KCNE1 (potassium voltage-gated channel subfamily E regulatory subunit 1; minus strand). Cytogenetic location: 21q22.12.
Variant type: single nucleotide variant.
Coding change: c.10T>G on transcript NM_000219.6 (MANE Select); coding-DNA position 10, T replaced by G.
Protein change: p.Ser4Ala; replaces serine 4 with alanine.
Molecular consequence: missense variant.
Genome position (GRCh38, 1-based): chr21:34,449,625, A>C on the plus strand (T>G on the coding strand, the complement: KCNE1 is on the minus strand). VCF-style: chr21-34449625-A-C. GRCh37 (hg19) VCF-style: chr21-35821923-A-C.
Other names: c.10T>G, p.Ser4Ala (NM_001127668.4, NM_001127669.4, NM_001127670.4 and 4 more transcripts); short protein forms S4A.
Identifiers: ClinVar variation 3374056 (VCV003374056.2).
Genomic context (GRCh38, chr21:34,449,625, plus strand): 5'-CCTGCTGAACTGTCTCCTGCCACAGCTTGGTCAGAAAGGGCGTCACCGCTGTGGTGTTAG[A>C]CAGGATCATCCTGGGCATTAAGGTTCCACTGCTGCAGCTCAAACTTCCCAGGCACACCTC-3'
Protein context (NP_000210.2, residues 1-14): MIL[Ser4Ala]NTTAVTPFLT